The following is an entry in ClinVar:

ClinVar aggregate classification (germline): Uncertain significance (1 of 4 stars; one submission).

Conditions:
Joubert syndrome 21 (JBTS21). Identifiers: MedGen C3810212, MONDO:0014288, OMIM 615636.

Submission:

Labcorp Genetics (formerly Invitae), Labcorp
Classification: Uncertain significance for Joubert syndrome 21. Last evaluated: 2021-09-03. Review status: criteria provided, single submitter. Criteria: Invitae Variant Classification Sherloc (09022015). Collection method: clinical testing. Allele origin: germline.
Comment: In summary, the available evidence is currently insufficient to determine the role of this variant in disease. Therefore, it has been classified as a Variant of Uncertain Significance. Experimental studies and prediction algorithms are not available or were not evaluated, and the functional significance of this variant is currently unknown. This variant has not been reported in the literature in individuals affected with CSPP1-related conditions. This variant is not present in population databases (ExAC no frequency). This sequence change creates a premature translational stop signal (p.Ser1155Phefs*4) in the CSPP1 gene. While this is not anticipated to result in nonsense mediated decay, it is expected to disrupt the last 67 amino acid(s) of the CSPP1 protein.

NM_001382391.1(CSPP1):c.3478_3479del (p.Ser1160fs)

Genes: ARFGEF1 (ARF guanine nucleotide exchange factor 1; minus strand), CSPP1 (centrosome and spindle pole associated protein 1; plus strand). Cytogenetic location: 8q13.2.
Variant type: Microsatellite.
Coding change: c.3478_3479del on transcript NM_001382391.1 (MANE Select); coding-DNA positions 3478 to 3479, 2 bases deleted (AG; older notation c.3478_3479delAG).
Protein change: p.Ser1160fs; shifts the reading frame from serine 1160.
Molecular consequence: frameshift variant. On other transcripts: intron variant (2).
Genome position (GRCh38, 1-based): chr8:67,195,390-67,195,391, AG deleted; deleting any 2 consecutive bases within chr8:67,195,387-67,195,391 gives the same sequence; the c. name uses the placement nearest the transcript's 3' end. VCF-style (leftmost placement, unchanged base first): chr8-67195386-TGA-T. GRCh37 (hg19) VCF-style: chr8-68107621-TGA-T.
Other names: c.3544_3545del, p.Ser1182fs (NM_001364869.1); c.3364_3365del, p.Ser1122fs (NM_001364870.1); c.3310_3311del, p.Ser1104fs (NM_001438330.1); c.3324_3325del, p.Arg1108fs (NM_001438331.1); c.2779_2780del, p.Ser927fs (NM_001438332.1); c.3463_3464del, p.Ser1155fs (NM_024790.7); c.5367+5008_5367+5009del (NM_001413186.1); c.5385+5008_5385+5009del (NM_001413187.1); and 4 more; short protein forms S810fs, S1068fs, S1095fs, S1122fs, S1155fs, S1160fs, S1182fs, S1133fs.
Identifiers: ClinVar variation 1379351 (VCV001379351.6), dbSNP rs2129576630, ClinGen allele CA2580617173.
Genomic context (GRCh38, chr8:67,195,386, plus strand): 5'-ATGTCTCCTGCCTGCCACCTGTGTTACCTGAGCCACGTGTCCCTTGCCTCCTGTAGATGA[TGA>T]GAGTTCACTGGTTGACCCTGATGACATCATGAAACACATAGGGGATGACGGATCAAACTC-3'